The following is an entry in ClinVar:

ClinVar aggregate classification (germline): Uncertain significance (1 of 4 stars; one submission).

Submission:

Labcorp Genetics (formerly Invitae), Labcorp
Classification: Uncertain significance. Last evaluated: 2025-07-23. Review status: criteria provided, single submitter. Criteria: Invitae Variant Classification Sherloc (09022015). Collection method: clinical testing. Allele origin: germline.
Comment: This sequence change replaces valine, which is neutral and non-polar, with leucine, which is neutral and non-polar, at codon 190 of the PAX4 protein (p.Val190Leu). This variant is present in population databases (rs756955546, gnomAD 0.003%). This variant has not been reported in the literature in individuals affected with PAX4-related conditions. An algorithm developed to predict the effect of missense changes on protein structure and function (PolyPhen-2) suggests that this variant is likely to be tolerated. In summary, the available evidence is currently insufficient to determine the role of this variant in disease. Therefore, it has been classified as a Variant of Uncertain Significance.

NM_001366110.1(PAX4):c.592G>T (p.Val198Leu)

Gene: PAX4 (paired box 4; minus strand). Cytogenetic location: 7q32.1.
Variant type: single nucleotide variant.
Coding change: c.592G>T on transcript NM_001366110.1 (MANE Select); coding-DNA position 592, G replaced by T.
Protein change: p.Val198Leu; replaces valine 198 with leucine.
Molecular consequence: missense variant.
Genome position (GRCh38, 1-based): chr7:127,613,503, C>A on the plus strand (G>T on the coding strand, the complement: PAX4 is on the minus strand). VCF-style: chr7-127613503-C-A. GRCh37 (hg19) VCF-style: chr7-127253557-C-A.
Other names: c.592G>T, p.Val198Leu (NM_001366111.1); short protein forms V198L.
Identifiers: ClinVar variation 4774920 (VCV004774920.1).